The following is an entry in ClinVar:

NM_001267550.2(TTN):c.93367G>A (p.Val31123Ile)

Genes: TTN (titin; minus strand), TTN-AS1 (TTN antisense RNA 1; plus strand). Cytogenetic location: 2q31.2.
Variant type: single nucleotide variant.
Coding change: c.93367G>A on transcript NM_001267550.2 (MANE Select); coding-DNA position 93367, G replaced by A.
Protein change: p.Val31123Ile; replaces valine 31123 with isoleucine.
Molecular consequence: missense variant.
Genome position (GRCh38, 1-based): chr2:178,548,259, C>T on the plus strand (G>A on the coding strand, the complement: TTN is on the minus strand). VCF-style: chr2-178548259-C-T. GRCh37 (hg19) VCF-style: chr2-179412986-C-T.
Other names: c.85663G>A, p.Val28555Ile (NM_133378.4); c.88444G>A, p.Val29482Ile (NM_001256850.1); c.66172G>A, p.Val22058Ile (NM_003319.4); c.66547G>A, p.Val22183Ile (NM_133432.3); c.66748G>A, p.Val22250Ile (NM_133437.4); short protein forms V28555I, V31123I, V22058I, V22250I, V29482I, V22183I.
Identifiers: ClinVar variation 179516 (VCV000179516.5), dbSNP rs202096200, ClinGen allele CA184573.

ClinVar aggregate classification (germline): Likely benign (1 of 4 stars; one submission).

gnomAD v4.1: 7 of 1,613,826 alleles (0.00043%); highest among the groups gnomAD compares: Non-Finnish European, 0.00059%; no homozygotes.

Submission:

Laboratory for Molecular Medicine, Mass General Brigham Personalized Medicine
Classification: Likely benign. Last evaluated: 2016-07-13. Review status: criteria provided, single submitter. Criteria: LMM Criteria. Collection method: clinical testing. Allele origin: germline. Observed: 1 variant allele.
Comment: p.Val28555Ile in exon 288 of TTN: This variant is not expected to have clinical significance due to a lack of conservation across species, including mammals. Of note, >10 mammals have an isoleucine (Ile) at this position despite high nearby amino acid conservation. In addition, computational analyses (AlignGVGD, PolyPh en2, SIFT) do not suggest a high likelihood of impact to the protein.